The following is an entry in ClinVar:

NM_138694.4(PKHD1):c.8860A>G (p.Thr2954Ala)

Gene: PKHD1 (PKHD1 ciliary IPT domain containing fibrocystin/polyductin; minus strand). Cytogenetic location: 6p12.3.
Variant type: single nucleotide variant.
Coding change: c.8860A>G on transcript NM_138694.4 (MANE Select); coding-DNA position 8860, A replaced by G.
Protein change: p.Thr2954Ala; replaces threonine 2954 with alanine.
Molecular consequence: missense variant.
Genome position (GRCh38, 1-based): chr6:51,753,291, T>C on the plus strand (A>G on the coding strand, the complement: PKHD1 is on the minus strand). VCF-style: chr6-51753291-T-C. GRCh37 (hg19) VCF-style: chr6-51618089-T-C.
Other names: c.8860A>G, p.Thr2954Ala (NM_170724.3); short protein forms T2954A.
Identifiers: ClinVar variation 1371487 (VCV001371487.5), dbSNP rs1292890415, ClinGen allele CA364426986.
Genomic context (GRCh38, chr6:51,753,291, plus strand): 5'-AGGACCCCACAAACAGTCTCCCCCTACATGATACGTCAGGCTGAATTTGTATATTTCGGG[T>C]CAACAGTCCAACCTCAGCAGCCAAACGAATGTGTCGGCCATCCTCCGTGACATGTACACT-3'
Protein context (NP_619639.3, residues 2944-2964): IRLAAEVGLL[Thr2954Ala]RNIQIQPDVS

ClinVar aggregate classification (germline): Uncertain significance (1 of 4 stars; one submission).

Conditions:
Autosomal recessive polycystic kidney disease (ARPKD). Also called: AR polycystic kidney disease. Identifiers: Orphanet 731, Orphanet 8378, MedGen C0085548, MeSH D017044, MONDO:0009889.

Allele frequency attached by ClinVar (database versions not stated): gnomAD exomes 0.00001.
gnomAD v4.1: 4 of 1,613,652 alleles (0.00025%); highest among the groups gnomAD compares: Admixed American, 0.0067%; no homozygotes.

Submission:

Labcorp Genetics (formerly Invitae), Labcorp
Classification: Uncertain significance for Autosomal recessive polycystic kidney disease. Last evaluated: 2021-09-01. Review status: criteria provided, single submitter. Criteria: Invitae Variant Classification Sherloc (09022015). Collection method: clinical testing. Allele origin: germline.
Comment: This sequence change replaces threonine with alanine at codon 2954 of the PKHD1 protein (p.Thr2954Ala). The threonine residue is highly conserved and there is a small physicochemical difference between threonine and alanine. This variant is not present in population databases (ExAC no frequency). This variant has not been reported in the literature in individuals affected with PKHD1-related conditions. Advanced modeling of protein sequence and biophysical properties (such as structural, functional, and spatial information, amino acid conservation, physicochemical variation, residue mobility, and thermodynamic stability) performed at Invitae indicates that this missense variant is not expected to disrupt PKHD1 protein function. In summary, the available evidence is currently insufficient to determine the role of this variant in disease. Therefore, it has been classified as a Variant of Uncertain Significance.